The following is an entry in ClinVar:

ClinVar aggregate classification (germline): Uncertain significance (1 of 4 stars; one submission).

Allele frequency attached by ClinVar (database versions not stated): gnomAD exomes below 0.00001.

Submission:

Labcorp Genetics (formerly Invitae), Labcorp
Classification: Uncertain significance. Last evaluated: 2021-12-23. Review status: criteria provided, single submitter. Criteria: Invitae Variant Classification Sherloc (09022015). Collection method: clinical testing. Allele origin: germline.
Comment: This variant is not present in population databases (gnomAD no frequency). This variant has not been reported in the literature in individuals affected with RUSC2-related conditions. This sequence change replaces threonine, which is neutral and polar, with isoleucine, which is neutral and non-polar, at codon 491 of the RUSC2 protein (p.Thr491Ile). In summary, the available evidence is currently insufficient to determine the role of this variant in disease. Therefore, it has been classified as a Variant of Uncertain Significance. Algorithms developed to predict the effect of missense changes on protein structure and function output the following: SIFT: "Deleterious"; PolyPhen-2: "Benign"; Align-GVGD: "Class C15". The isoleucine amino acid residue is found in multiple mammalian species, which suggests that this missense change does not adversely affect protein function.

NM_014806.5(RUSC2):c.1472C>T (p.Thr491Ile)

Gene: RUSC2 (RUN and SH3 domain containing 2; plus strand). Cytogenetic location: 9p13.3.
Variant type: single nucleotide variant.
Coding change: c.1472C>T on transcript NM_014806.5 (MANE Select); coding-DNA position 1472, C replaced by T.
Protein change: p.Thr491Ile; replaces threonine 491 with isoleucine.
Molecular consequence: missense variant. On other transcripts: non-coding transcript variant (1), intron variant (1).
Genome position (GRCh38, 1-based): chr9:35,547,993, C>T. VCF-style: chr9-35547993-C-T. GRCh37 (hg19) VCF-style: chr9-35547990-C-T.
Other names: c.1472C>T, p.Thr491Ile (NM_001135999.2); c.-620-7067C>T (NM_001330740.2); short protein forms T491I.
Identifiers: ClinVar variation 2028999 (VCV002028999.4), dbSNP rs375434427, ClinGen allele CA192747598.